The following is an entry in ClinVar:

ClinVar aggregate classification (germline): Uncertain significance. Review status: criteria provided, multiple submitters, no conflicts (2 of 4 stars). 2 submissions from 2 submitters: Uncertain significance (2). Last evaluated 2026-01-11.

Conditions:
Hereditary cancer-predisposing syndrome. Also called: Tumor predisposition; Hereditary Cancer Syndrome; Neoplastic Syndromes, Hereditary; Hereditary neoplastic syndrome. Identifiers: Orphanet 140162, MedGen C0027672, MeSH D009386, MONDO:0015356.
Mitochondrial complex II deficiency, nuclear type 1. Also called: SUCCINATE CoQ REDUCTASE DEFICIENCY. Identifiers: Orphanet 3208, MedGen C5700310, MONDO:0100294, OMIM 252011.
Pheochromocytoma/paraganglioma syndrome 5. Also called: Paragangliomas 5; SDHA-Related Hereditary Paraganglioma-Pheochromocytoma Syndrome. Identifiers: Orphanet 29072, MedGen C3279992, MONDO:0013602, OMIM 614165.

Allele frequency attached by ClinVar (database versions not stated): TOPMed below 0.00001.

Submissions (2):

Labcorp Genetics (formerly Invitae), Labcorp
Classification: Uncertain significance for Pheochromocytoma/paraganglioma syndrome 5; Mitochondrial complex II deficiency, nuclear type 1. Last evaluated: 2026-01-11. Review status: criteria provided, single submitter. Criteria: Invitae Variant Classification Sherloc (09022015). Collection method: clinical testing. Allele origin: germline.
Comment: This sequence change replaces aspartic acid, which is acidic and polar, with tyrosine, which is neutral and polar, at codon 653 of the SDHA protein (p.Asp653Tyr). This variant is not present in population databases (gnomAD no frequency). This variant has not been reported in the literature in individuals affected with SDHA-related conditions. ClinVar contains an entry for this variant (Variation ID: 3223736). Invitae Evidence Modeling of protein sequence and biophysical properties (such as structural, functional, and spatial information, amino acid conservation, physicochemical variation, residue mobility, and thermodynamic stability) indicates that this missense variant is not expected to disrupt SDHA protein function with a negative predictive value of 95%. In summary, the available evidence is currently insufficient to determine the role of this variant in disease. Therefore, it has been classified as a Variant of Uncertain Significance.

Ambry Genetics
Classification: Uncertain significance for Hereditary cancer-predisposing syndrome. Last evaluated: 2023-10-15. Review status: criteria provided, single submitter. Criteria: Ambry Variant Classification Scheme 2023. Collection method: clinical testing. Allele origin: germline.
Comment: The p.D653Y variant (also known as c.1957G>T), located in coding exon 15 of the SDHA gene, results from a G to T substitution at nucleotide position 1957. The aspartic acid at codon 653 is replaced by tyrosine, an amino acid with highly dissimilar properties. This amino acid position is conserved. In addition, the in silico prediction for this alteration is inconclusive. Since supporting evidence is limited at this time, the clinical significance of this alteration remains unclear.

NM_004168.4(SDHA):c.1957G>T (p.Asp653Tyr)

Gene: SDHA (succinate dehydrogenase complex flavoprotein subunit A; plus strand). Cytogenetic location: 5p15.33.
Variant type: single nucleotide variant.
Coding change: c.1957G>T on transcript NM_004168.4 (MANE Select); coding-DNA position 1957, G replaced by T.
Protein change: p.Asp653Tyr; replaces aspartic acid 653 with tyrosine.
Molecular consequence: missense variant.
Genome position (GRCh38, 1-based): chr5:256,382, G>T. VCF-style: chr5-256382-G-T. GRCh37 (hg19) VCF-style: chr5-256497-G-T.
Other names: c.1813G>T, p.Asp605Tyr (NM_001294332.2); c.1714G>T, p.Asp572Tyr (NM_001330758.2); short protein forms D572Y, D605Y, D653Y.
Identifiers: ClinVar variation 3223736 (VCV003223736.2), dbSNP rs1737190167, ClinGen allele CA359002959.